The following is an entry in ClinVar:

ClinVar aggregate classification (germline): Benign/Likely benign. Review status: criteria provided, multiple submitters, no conflicts (2 of 4 stars). 5 submissions from 5 submitters: Benign (2); Likely benign (3). Last evaluated 2026-01-07.

Conditions:
Stromme syndrome (STROMS). Also called: Strømme Syndrome; APPLE PEEL SYNDROME WITH MICROCEPHALY AND OCULAR ANOMALIES; Ciliary dyskinesia, primary, 31. Identifiers: Orphanet 444069, Orphanet 506307, MedGen C1855705, MONDO:0009477, OMIM 243605.

Allele frequency attached by ClinVar (database versions not stated): gnomAD 0.01115 and 0.01197; 1000 Genomes Project 30x 0.01156; 1000 Genomes Project 0.01178; gnomAD exomes 0.01198; ExAC 0.01299; ESP Exome Variant Server 0.01499.
gnomAD v4.1: 22,838 of 1,538,824 alleles (1.5%); highest among the groups gnomAD compares: South Asian, 3.9%; 240 homozygotes.

Submissions (5):

Labcorp Genetics (formerly Invitae), Labcorp
Classification: Benign. Last evaluated: 2026-01-07. Review status: criteria provided, single submitter. Criteria: Invitae Variant Classification Sherloc (09022015). Collection method: clinical testing. Allele origin: germline.

Blueprint Genetics
Classification: Likely benign. Last evaluated: 2024-11-25. Review status: criteria provided, single submitter. Criteria: ACMG Guidelines, 2015. Collection method: clinical testing. Allele origin: germline.

GeneDx
Classification: Likely benign. Last evaluated: 2023-08-31. Review status: criteria provided, single submitter. Criteria: GeneDx Variant Classification Process June 2021. Collection method: clinical testing. Allele origin: germline. Affected: yes.
Comment: See Variant Classification Assertion Criteria.

Genome-Nilou Lab
Classification: Benign for Stromme syndrome. Last evaluated: 2021-07-22. Review status: criteria provided, single submitter. Criteria: ACMG Guidelines, 2015. Collection method: clinical testing. Allele origin: germline. Affected: no.

Breakthrough Genomics
Classification: Likely benign. Review status: criteria provided, single submitter. Criteria: ACMG Guidelines, 2015. Collection method: not provided. Allele origin: germline. Inheritance: Autosomal recessive inheritance. Affected: yes.

NM_016343.4(CENPF):c.3244C>T (p.His1082Tyr)

Gene: CENPF (centromere protein F; plus strand). Cytogenetic location: 1q41.
Variant type: single nucleotide variant.
Coding change: c.3244C>T on transcript NM_016343.4 (MANE Select); coding-DNA position 3244, C replaced by T.
Protein change: p.His1082Tyr; replaces histidine 1082 with tyrosine.
Molecular consequence: missense variant.
Genome position (GRCh38, 1-based): chr1:214,641,582, C>T. VCF-style: chr1-214641582-C-T. GRCh37 (hg19) VCF-style: chr1-214814925-C-T.
Other names: short protein forms H1082Y.
Identifiers: ClinVar variation 1186709 (VCV001186709.18), dbSNP rs61732031, ClinGen allele CA1390375.